The following is an entry in ClinVar:

NM_006393.3(NEBL):c.1473G>T (p.Glu491Asp)

Gene: NEBL (nebulette; minus strand). Cytogenetic location: 10p12.31.
Variant type: single nucleotide variant.
Coding change: c.1473G>T on transcript NM_006393.3 (MANE Select); coding-DNA position 1473, G replaced by T.
Protein change: p.Glu491Asp; replaces glutamic acid 491 with aspartic acid.
Molecular consequence: missense variant. On other transcripts: intron variant (9).
Genome position (GRCh38, 1-based): chr10:20,831,560, C>A on the plus strand (G>T on the coding strand, the complement: NEBL is on the minus strand). VCF-style: chr10-20831560-C-A. GRCh37 (hg19) VCF-style: chr10-21120489-C-A.
Other names: c.250-18620G>T (NM_001377326.1, NM_001377327.1, NM_001377328.1); c.358-18620G>T (NM_213569.2, NM_001173484.2, NM_001377322.1); c.301-18620G>T (NM_001377324.1); c.292-18620G>T (NM_001377325.1); c.310-18620G>T (NM_001377323.1); short protein forms E491D.
Identifiers: ClinVar variation 1914685 (VCV001914685.5), dbSNP rs957738000, ClinGen allele CA204164099.

ClinVar aggregate classification (germline): Uncertain significance (1 of 4 stars; one submission).

Conditions:
Primary dilated cardiomyopathy (DCM). Also called: Dilated Cardiomyopathy. Identifiers: Orphanet 217604, MedGen C0007193, MeSH D002311, MONDO:0005021, HP:0001644. Inheritance: Various modes of inheritance.

gnomAD v4.1: 2 of 1,608,998 alleles (0.00012%); highest among the groups gnomAD compares: Admixed American, 0.0017%; no homozygotes.

Submission:

Labcorp Genetics (formerly Invitae), Labcorp
Classification: Uncertain significance for Primary dilated cardiomyopathy. Last evaluated: 2022-04-29. Review status: criteria provided, single submitter. Criteria: Invitae Variant Classification Sherloc (09022015). Collection method: clinical testing. Allele origin: germline.
Comment: In summary, the available evidence is currently insufficient to determine the role of this variant in disease. Therefore, it has been classified as a Variant of Uncertain Significance. Algorithms developed to predict the effect of missense changes on protein structure and function are either unavailable or do not agree on the potential impact of this missense change (SIFT: "Deleterious"; PolyPhen-2: "Probably Damaging"; Align-GVGD: "Class C0"). This variant has not been reported in the literature in individuals affected with NEBL-related conditions. This variant is not present in population databases (gnomAD no frequency). This sequence change replaces glutamic acid, which is acidic and polar, with aspartic acid, which is acidic and polar, at codon 491 of the NEBL protein (p.Glu491Asp).